The following is an entry in ClinVar:

NM_006073.4(TRDN):c.226T>C (p.Phe76Leu)

Gene: TRDN (triadin; minus strand). Cytogenetic location: 6q22.31.
Variant type: single nucleotide variant.
Coding change: c.226T>C on transcript NM_006073.4 (MANE Select); coding-DNA position 226, T replaced by C.
Protein change: p.Phe76Leu; replaces phenylalanine 76 with leucine.
Molecular consequence: missense variant.
Genome position (GRCh38, 1-based): chr6:123,570,929, A>G on the plus strand (T>C on the coding strand, the complement: TRDN is on the minus strand). VCF-style: chr6-123570929-A-G. GRCh37 (hg19) VCF-style: chr6-123892074-A-G.
Other names: c.226T>C, p.Phe76Leu (NM_001251987.2, NM_001256020.2, NM_001256021.2 and 1 more transcripts); short protein forms F76L.
Identifiers: ClinVar variation 1377292 (VCV001377292.7), dbSNP rs1782541809, ClinGen allele CA365569025.

ClinVar aggregate classification (germline): Uncertain significance (1 of 4 stars; one submission).

Conditions:
Catecholaminergic polymorphic ventricular tachycardia 1. Also called: RYR2-Related Catecholaminergic Polymorphic Ventricular Tachycardia; VENTRICULAR TACHYCARDIA, CATECHOLAMINERGIC POLYMORPHIC, 1, WITH OR WITHOUT ATRIAL DYSFUNCTION AND/OR DILATED CARDIOMYOPATHY; VENTRICULAR TACHYCARDIA, STRESS-INDUCED POLYMORPHIC 1. Identifiers: Orphanet 3286, MedGen C1631597, MONDO:0011484, OMIM 604772.

Allele frequency attached by ClinVar (database versions not stated): gnomAD 0.00001.
gnomAD v4.1: 1 of 1,613,112 alleles (0.000062%); highest among the groups gnomAD compares: South Asian, 0.0011%; no homozygotes.

Submission:

Labcorp Genetics (formerly Invitae), Labcorp
Classification: Uncertain significance for Catecholaminergic polymorphic ventricular tachycardia 1. Last evaluated: 2021-08-23. Review status: criteria provided, single submitter. Criteria: Invitae Variant Classification Sherloc (09022015). Collection method: clinical testing. Allele origin: germline.
Comment: In summary, the available evidence is currently insufficient to determine the role of this variant in disease. Therefore, it has been classified as a Variant of Uncertain Significance. Algorithms developed to predict the effect of missense changes on protein structure and function output the following: SIFT: "Tolerated"; PolyPhen-2: "Not Available"; Align-GVGD: "Class C0". The leucine amino acid residue is found in multiple mammalian species, which suggests that this missense change does not adversely affect protein function. This variant has not been reported in the literature in individuals affected with TRDN-related conditions. This variant is not present in population databases (ExAC no frequency). This sequence change replaces phenylalanine with leucine at codon 76 of the TRDN protein (p.Phe76Leu). The phenylalanine residue is moderately conserved and there is a small physicochemical difference between phenylalanine and leucine.